The following is an entry in ClinVar:

NM_199355.4(ADAMTS18):c.165C>A (p.Ser55Arg)

Gene: ADAMTS18 (ADAM metallopeptidase with thrombospondin type 1 motif 18; minus strand). Cytogenetic location: 16q23.1.
Variant type: single nucleotide variant.
Coding change: c.165C>A on transcript NM_199355.4 (MANE Select); coding-DNA position 165, C replaced by A.
Protein change: p.Ser55Arg; replaces serine 55 with arginine.
Molecular consequence: missense variant. On other transcripts: 5 prime UTR variant (1).
Genome position (GRCh38, 1-based): chr16:77,434,431, G>T on the plus strand (C>A on the coding strand, the complement: ADAMTS18 is on the minus strand). VCF-style: chr16-77434431-G-T. GRCh37 (hg19) VCF-style: chr16-77468328-G-T.
Other names: c.-356C>A (NM_001326358.2); short protein forms S55R.
Identifiers: ClinVar variation 1447908 (VCV001447908.6), dbSNP rs1393554544, ClinGen allele CA396851686.

ClinVar aggregate classification (germline): Uncertain significance (1 of 4 stars; one submission).

Allele frequency attached by ClinVar (database versions not stated): gnomAD exomes below 0.00001.
gnomAD v4.1: 2 of 1,571,202 alleles (0.00013%); highest among the groups gnomAD compares: Non-Finnish European, 0.000086%; no homozygotes.

Submission:

Labcorp Genetics (formerly Invitae), Labcorp
Classification: Uncertain significance. Last evaluated: 2021-09-15. Review status: criteria provided, single submitter. Criteria: Invitae Variant Classification Sherloc (09022015). Collection method: clinical testing. Allele origin: germline.
Comment: In summary, the available evidence is currently insufficient to determine the role of this variant in disease. Therefore, it has been classified as a Variant of Uncertain Significance. Algorithms developed to predict the effect of missense changes on protein structure and function are either unavailable or do not agree on the potential impact of this missense change (SIFT: "Not Available"; PolyPhen-2: "Benign"; Align-GVGD: "Not Available"). This variant has not been reported in the literature in individuals affected with ADAMTS18-related conditions. The frequency data for this variant in the population databases is considered unreliable, as metrics indicate insufficient coverage at this position in the ExAC database. This sequence change replaces serine with arginine at codon 55 of the ADAMTS18 protein (p.Ser55Arg). The serine residue is moderately conserved and there is a moderate physicochemical difference between serine and arginine.